The following is an entry in ClinVar:

ClinVar aggregate classification (germline): Uncertain significance (1 of 4 stars; one submission).

Submission:

Labcorp Genetics (formerly Invitae), Labcorp
Classification: Uncertain significance. Last evaluated: 2025-10-13. Review status: criteria provided, single submitter. Criteria: Invitae Variant Classification Sherloc (09022015). Collection method: clinical testing. Allele origin: germline.
Comment: This sequence change replaces proline, which is neutral and non-polar, with threonine, which is neutral and polar, at codon 245 of the KLF10 protein (p.Pro245Thr). This variant is not present in population databases (gnomAD no frequency). This variant has not been reported in the literature in individuals affected with KLF10-related conditions. An algorithm developed to predict the effect of missense changes on protein structure and function (PolyPhen-2) suggests that this variant is likely to be tolerated. In summary, the available evidence is currently insufficient to determine the role of this variant in disease. Therefore, it has been classified as a Variant of Uncertain Significance.

NM_005655.4(KLF10):c.733C>A (p.Pro245Thr)

Gene: KLF10 (KLF transcription factor 10; minus strand). Cytogenetic location: 8q22.3.
Variant type: single nucleotide variant.
Coding change: c.733C>A on transcript NM_005655.4 (MANE Select); coding-DNA position 733, C replaced by A.
Protein change: p.Pro245Thr; replaces proline 245 with threonine.
Molecular consequence: missense variant.
Genome position (GRCh38, 1-based): chr8:102,651,599, G>T on the plus strand (C>A on the coding strand, the complement: KLF10 is on the minus strand). VCF-style: chr8-102651599-G-T. GRCh37 (hg19) VCF-style: chr8-103663827-G-T.
Other names: c.700C>A, p.Pro234Thr (NM_001032282.4); short protein forms P234T, P245T.
Identifiers: ClinVar variation 4691539 (VCV004691539.1).